The following is an entry in ClinVar:

NM_001164508.2(NEB):c.19667G>C (p.Gly6556Ala)

Gene: NEB (nebulin; minus strand). Cytogenetic location: 2q23.3.
Variant type: single nucleotide variant.
Coding change: c.19667G>C on transcript NM_001164508.2 (MANE Select); coding-DNA position 19667, G replaced by C.
Protein change: p.Gly6556Ala; replaces glycine 6556 with alanine.
Molecular consequence: missense variant.
Genome position (GRCh38, 1-based): chr2:151,553,462, C>G on the plus strand (G>C on the coding strand, the complement: NEB is on the minus strand). VCF-style: chr2-151553462-C-G. GRCh37 (hg19) VCF-style: chr2-152409976-C-G.
Other names: c.19667G>C, p.Gly6556Ala (NM_001164507.2, NM_001271208.2); c.14564G>C, p.Gly4855Ala (NM_004543.5); short protein forms G4855A, G6556A.
Identifiers: ClinVar variation 3777469 (VCV003777469.1).

ClinVar aggregate classification (germline): Uncertain significance (1 of 4 stars; one submission).

Submission:

GeneDx
Classification: Uncertain significance. Last evaluated: 2024-10-09. Review status: criteria provided, single submitter. Criteria: GeneDx Variant Classification Process June 2021. Collection method: clinical testing. Allele origin: germline. Affected: yes.
Comment: Not observed at significant frequency in large population cohorts (gnomAD); In silico analysis supports that this missense variant has a deleterious effect on protein structure/function; Has not been previously published as pathogenic or benign to our knowledge